The following is an entry in ClinVar:

ClinVar aggregate classification (germline): Likely benign. Review status: reviewed by expert panel (3 of 4 stars). 10 submissions from 10 submitters: Likely benign (1). 9 of the submissions do not count toward it. Last evaluated 2017-06-29.

Conditions:
BRCA2-related cancer predisposition. Identifiers: MedGen CN377758, MONDO:0700269.
BRCA2-related disorder. Also called: BRCA2-related condition; BRCA2-related disorders. Identifiers: MedGen CN239275.
Hereditary cancer-predisposing syndrome. Also called: Neoplastic Syndromes, Hereditary; Hereditary neoplastic syndrome; Tumor predisposition; Hereditary Cancer Syndrome. Identifiers: Orphanet 140162, MedGen C0027672, MeSH D009386, MONDO:0015356.
Hereditary breast ovarian cancer syndrome. Also called: Hereditary breast and ovarian cancer; Breast and ovarian cancer; BRCA1- and BRCA2-Associated Hereditary Breast and Ovarian Cancer; Hereditary breast and ovarian cancer syndrome (HBOC); Hereditary breast and/or ovarian cancer syndrome; Hereditary breast and ovarian cancer syndrome. Identifiers: Orphanet 145, MedGen C0677776, MeSH D061325, MONDO:0003582. Disease mechanism: loss of function.
Breast-ovarian cancer, familial, susceptibility to, 2 (BROVCA2). Also called: BRCA2 Hereditary Breast and Ovarian Cancer. Identifiers: Orphanet 145, MedGen C2675520, MONDO:0012933, OMIM 612555. Disease mechanism: loss of function.

Allele frequency attached by ClinVar (database versions not stated): gnomAD exomes 0.00001; ExAC 0.00002; gnomAD 0.00002; TOPMed 0.00003.
gnomAD v4.1: 6 of 1,609,264 alleles (0.00037%); highest among the groups gnomAD compares: Admixed American, 0.0034%; no homozygotes.

Submissions (10):

Evidence-based Network for the Interpretation of Germline Mutant Alleles (ENIGMA)
Classification: Likely benign for Breast-ovarian cancer, familial, susceptibility to, 2. Last evaluated: 2017-06-29. Review status: reviewed by expert panel. Criteria: ENIGMA BRCA1/2 Classification Criteria (2017-06-29). Collection method: curation. Allele origin: germline.
Comment: Synonymous substitution variant, with low bioinformatic likelihood to result in a splicing aberration (Splicing prior probability 0.02).

Labcorp Genetics (formerly Invitae), Labcorp
Classification: Likely benign for Hereditary breast ovarian cancer syndrome. Last evaluated: 2025-09-10. Review status: criteria provided, single submitter. Criteria: Invitae Variant Classification Sherloc (09022015). Collection method: clinical testing. Allele origin: germline. Not counted in ClinVar's aggregate classification.

All of Us Research Program, National Institutes of Health
Classification: Likely benign for BRCA2-related cancer predisposition. Last evaluated: 2024-06-17. Review status: criteria provided, single submitter. Criteria: ACMG Guidelines, 2015. Collection method: clinical testing. Allele origin: germline. Inheritance: Autosomal dominant inheritance. Observed: 1 variant allele, 1 heterozygote. Not counted in ClinVar's aggregate classification.
Comment: This study involves interpretation of variants in research participants for the purpose of population health screening. Participant phenotype was not available at the time of variant classification. Additional details can be found in publication PMID: 35346344, PMCID: PMC8962531

Sema4
Classification: Likely benign for Hereditary cancer-predisposing syndrome. Last evaluated: 2021-05-18. Review status: criteria provided, single submitter. Criteria: Sema4 Curation Guidelines. Collection method: curation. Allele origin: germline. Not counted in ClinVar's aggregate classification.

GeneDx
Classification: Likely benign. Last evaluated: 2021-01-21. Review status: criteria provided, single submitter. Criteria: GeneDx Variant Classification Process June 2021. Collection method: clinical testing. Allele origin: germline. Affected: yes. Not counted in ClinVar's aggregate classification.

Quest Diagnostics Nichols Institute San Juan Capistrano
Classification: Likely benign. Last evaluated: 2020-02-03. Review status: criteria provided, single submitter. Criteria: Quest Diagnostics criteria. Collection method: clinical testing. Allele origin: unknown. Not counted in ClinVar's aggregate classification.

Color Diagnostics, LLC DBA Color Health
Classification: Likely benign for Hereditary cancer-predisposing syndrome. Last evaluated: 2020-01-15. Review status: criteria provided, single submitter. Criteria: ACMG Guidelines, 2015. Collection method: clinical testing. Allele origin: germline. Not counted in ClinVar's aggregate classification.

Women's Health and Genetics/Laboratory Corporation of America, LabCorp
Classification: Likely benign. Last evaluated: 2019-08-21. Review status: criteria provided, single submitter. Criteria: LabCorp Variant Classification Summary - May 2015. Collection method: clinical testing. Allele origin: germline. Not counted in ClinVar's aggregate classification.

Ambry Genetics
Classification: Likely benign for Hereditary cancer-predisposing syndrome. Last evaluated: 2016-07-27. Review status: criteria provided, single submitter. Criteria: Ambry Variant Classification Scheme 2023. Collection method: clinical testing. Allele origin: germline. Not counted in ClinVar's aggregate classification.

PreventionGenetics, part of Exact Sciences
Classification: Likely benign for BRCA2-related condition. Last evaluated: 2019-07-16. Review status: no assertion criteria provided. Collection method: clinical testing. Allele origin: germline. Not counted in ClinVar's aggregate classification.
Comment: This variant is classified as likely benign based on ACMG/AMP sequence variant interpretation guidelines (Richards et al. 2015 PMID: 25741868, with internal and published modifications).

NM_000059.4(BRCA2):c.1284A>G (p.Leu428=)

Gene: BRCA2 (BRCA2 DNA repair associated; plus strand). Cytogenetic location: 13q13.1.
Variant type: single nucleotide variant.
Coding change: c.1284A>G on transcript NM_000059.4 (MANE Select); coding-DNA position 1284, A replaced by G.
Protein change: p.Leu428=; no amino-acid change (leucine 428 retained).
Molecular consequence: synonymous variant.
Genome position (GRCh38, 1-based): chr13:32,332,762, A>G. VCF-style: chr13-32332762-A-G. GRCh37 (hg19) VCF-style: chr13-32906899-A-G.
Identifiers: ClinVar variation 388464 (VCV000388464.27), dbSNP rs34770647, ClinGen allele CA6940503.
Genomic context (GRCh38, chr13:32,332,762, plus strand): 5'-GGAGAAAATACCCCTATTGCATATTTCTTCATGTGACCAAAATATTTCAGAAAAAGACCT[A>G]TTAGACACAGAGAACAAAAGAAAGAAAGATTTTCTTACTTCAGAGAATTCTTTGCCACGT-3'
Protein context (NP_000050.3, residues 418-438): SCDQNISEKD[Leu428=]LDTENKRKKD